The following is an entry in ClinVar:

NM_198252.3(GSN):c.2072C>T (p.Thr691Met)

Gene: GSN (gelsolin; plus strand). Cytogenetic location: 9q33.2.
Variant type: single nucleotide variant.
Coding change: c.2072C>T on transcript NM_198252.3 (MANE Select); coding-DNA position 2072, C replaced by T.
Protein change: p.Thr691Met; replaces threonine 691 with methionine.
Molecular consequence: missense variant.
Genome position (GRCh38, 1-based): chr9:121,332,479, C>T. VCF-style: chr9-121332479-C-T. GRCh37 (hg19) VCF-style: chr9-124094757-C-T.
Other names: c.2105C>T, p.Thr702Met (NM_001353068.2, NM_001353069.2, NM_001353070.2 and 13 more transcripts); c.2144C>T, p.Thr715Met (NM_001353076.2); c.2225C>T, p.Thr742Met (NM_000177.5); c.2072C>T, p.Thr691Met (NM_001127662.2, NM_001127664.2, NM_001127665.2 and 10 more transcripts); c.2180C>T, p.Thr727Met (NM_001127663.2); c.2123C>T, p.Thr708Met (NM_001258029.2); c.2096C>T, p.Thr699Met (NM_001258030.2); c.1418C>T, p.Thr473Met (NM_001353078.2); short protein forms T691M, T702M, T708M, T727M, T473M, T699M, T742M, T715M.
Identifiers: ClinVar variation 1787985 (VCV001787985.6), dbSNP rs759348434, ClinGen allele CA5221538.

ClinVar aggregate classification (germline): Conflicting classifications of pathogenicity. Review status: criteria provided, conflicting classifications (1 of 4 stars). 3 submissions from 3 submitters: Uncertain significance (2); Likely benign (1). Last evaluated 2026-06-28.

Conditions:
GSN-related disorder. Also called: GSN-related condition.
Inborn genetic diseases. Identifiers: MedGen C0950123, MeSH D030342.

Allele frequency attached by ClinVar (database versions not stated): gnomAD 0.00002; TOPMed 0.00002; gnomAD exomes 0.00005; ExAC 0.00012.
gnomAD v4.1: 72 of 1,613,900 alleles (0.0045%); highest among the groups gnomAD compares: South Asian, 0.0099%; 1 homozygote.

Submissions (3):

PreventionGenetics, part of Exact Sciences
Classification: Likely benign for GSN-related condition. Last evaluated: 2026-06-28. Review status: criteria provided, single submitter. Criteria: ACMG Guidelines, 2015. Collection method: clinical testing. Allele origin: germline.
Comment: This variant is classified as likely benign based on ACMG/AMP sequence variant interpretation guidelines (Richards et al. 2015 PMID: 25741868, with internal and published modifications).

Labcorp Genetics (formerly Invitae), Labcorp
Classification: Uncertain significance. Last evaluated: 2025-11-05. Review status: criteria provided, single submitter. Criteria: Invitae Variant Classification Sherloc (09022015). Collection method: clinical testing. Allele origin: germline.
Comment: This sequence change replaces threonine, which is neutral and polar, with methionine, which is neutral and non-polar, at codon 742 of the GSN protein (p.Thr742Met). This variant is present in population databases (rs759348434, gnomAD 0.01%). This variant has not been reported in the literature in individuals affected with GSN-related conditions. ClinVar contains an entry for this variant (Variation ID: 1787985). An algorithm developed to predict the effect of missense changes on protein structure and function (PolyPhen-2) suggests that this variant is likely to be disruptive. In summary, the available evidence is currently insufficient to determine the role of this variant in disease. Therefore, it has been classified as a Variant of Uncertain Significance.

Ambry Genetics
Classification: Uncertain significance for Inborn genetic diseases. Last evaluated: 2021-11-09. Review status: criteria provided, single submitter. Criteria: Ambry Variant Classification Scheme 2023. Collection method: clinical testing. Allele origin: germline.
Comment: The p.T742M variant (also known as c.2225C>T), located in coding exon 17 of the GSN gene, results from a C to T substitution at nucleotide position 2225. The threonine at codon 742 is replaced by methionine, an amino acid with similar properties. This amino acid position is conserved. In addition, the in silico prediction for this alteration is inconclusive. Since supporting evidence is limited at this time, the clinical significance of this alteration remains unclear.